The following is an entry in ClinVar:

ClinVar aggregate classification (germline): Uncertain significance (1 of 4 stars; one submission).

Conditions:
Hereditary cancer-predisposing syndrome. Also called: Neoplastic Syndromes, Hereditary; Tumor predisposition; Hereditary Cancer Syndrome; Hereditary neoplastic syndrome. Identifiers: Orphanet 140162, MedGen C0027672, MeSH D009386, MONDO:0015356.

gnomAD v4.1: 6 of 1,594,872 alleles (0.00038%); highest among the groups gnomAD compares: Non-Finnish European, 0.00051%; no homozygotes.

Submission:

Ambry Genetics
Classification: Uncertain significance for Hereditary cancer-predisposing syndrome. Last evaluated: 2026-05-18. Review status: criteria provided, single submitter. Criteria: Ambry Variant Classification Scheme 2023. Collection method: clinical testing. Allele origin: germline.
Comment: The p.P1441Q variant (also known as c.4322C>A), located in coding exon 29 of the ALK gene, results from a C to A substitution at nucleotide position 4322. The proline at codon 1441 is replaced by glutamine, an amino acid with similar properties. This amino acid position is conserved. In addition, this alteration is predicted to be tolerated by in silico analysis. Based on the available evidence, the clinical significance of this variant remains unclear.

NM_004304.5(ALK):c.4322C>A (p.Pro1441Gln)

Gene: ALK (ALK receptor tyrosine kinase; minus strand). Cytogenetic location: 2p23.2.
Variant type: single nucleotide variant.
Coding change: c.4322C>A on transcript NM_004304.5 (MANE Select); coding-DNA position 4322, C replaced by A.
Protein change: p.Pro1441Gln; replaces proline 1441 with glutamine.
Molecular consequence: missense variant.
Genome position (GRCh38, 1-based): chr2:29,193,765, G>T on the plus strand (C>A on the coding strand, the complement: ALK is on the minus strand). VCF-style: chr2-29193765-G-T. GRCh37 (hg19) VCF-style: chr2-29416631-G-T.
Other names: c.1118C>A, p.Pro373Gln (NM_001353765.2); short protein forms P1441Q, P373Q.
Identifiers: ClinVar variation 4870385 (VCV004870385.1).